The following is an entry in ClinVar:

NM_003070.5(SMARCA2):c.2932T>C (p.Tyr978His)

Gene: SMARCA2 (SWI/SNF related, matrix associated, actin dependent regulator of chromatin, subfamily a, member 2; plus strand). Cytogenetic location: 9p24.3.
Variant type: single nucleotide variant.
Coding change: c.2932T>C on transcript NM_003070.5 (MANE Select); coding-DNA position 2932, T replaced by C.
Protein change: p.Tyr978His; replaces tyrosine 978 with histidine.
Molecular consequence: missense variant.
Genome position (GRCh38, 1-based): chr9:2,096,705, T>C. VCF-style: chr9-2096705-T-C. GRCh37 (hg19) VCF-style: chr9-2096705-T-C.
Other names: c.2932T>C, p.Tyr978His (NM_001289396.2, NM_139045.4); c.2758T>C, p.Tyr920His (NM_001289397.2); short protein forms Y920H, Y978H.
Identifiers: ClinVar variation 1304600 (VCV001304600.2), dbSNP rs2130525796, ClinGen allele CA372785958.

ClinVar aggregate classification (germline): Uncertain significance (1 of 4 stars; one submission).

Submission:

GeneDx
Classification: Uncertain significance. Last evaluated: 2019-07-19. Review status: criteria provided, single submitter. Criteria: GeneDx Variant Classification Process June 2021. Collection method: clinical testing. Allele origin: germline. Affected: yes.
Comment: Not observed in large population cohorts (Lek et al., 2016); In silico analysis, which includes protein predictors and evolutionary conservation, supports a deleterious effect; Has not been previously published as pathogenic or benign to our knowledge